The following is an entry in ClinVar:

ClinVar aggregate classification (germline): Uncertain significance (1 of 4 stars; one submission).

Conditions:
Fetal akinesia deformation sequence 1 (FADS1). Also called: Fetal akinesia sequence; Pena-Shokeir syndrome type I. Identifiers: Orphanet 994, MedGen C1276035, MONDO:0100101, OMIM 208150, HP:0001989.
Congenital myasthenic syndrome 9. Also called: Myasthenic syndrome, congenital, 9, associated with acetylcholine receptor deficiency. Identifiers: Orphanet 590, MedGen C4225368, MONDO:0014587, OMIM 616325.

Allele frequency attached by ClinVar (database versions not stated): gnomAD exomes below 0.00001.
gnomAD v4.1: 1 of 1,613,252 alleles (0.000062%); highest among the groups gnomAD compares: South Asian, 0.0011%; no homozygotes.

Submission:

Labcorp Genetics (formerly Invitae), Labcorp
Classification: Uncertain significance for Congenital myasthenic syndrome 9; Fetal akinesia deformation sequence 1. Last evaluated: 2020-02-18. Review status: criteria provided, single submitter. Criteria: Invitae Variant Classification Sherloc (09022015). Collection method: clinical testing. Allele origin: germline.
Comment: Algorithms developed to predict the effect of missense changes on protein structure and function are either unavailable or do not agree on the potential impact of this missense change (SIFT: "Deleterious"; PolyPhen-2: "Probably Damaging"; Align-GVGD: "Class C0"). This variant has not been reported in the literature in individuals with MUSK-related conditions. In summary, the available evidence is currently insufficient to determine the role of this variant in disease. Therefore, it has been classified as a Variant of Uncertain Significance. This sequence change replaces tyrosine with aspartic acid at codon 814 of the MUSK protein (p.Tyr814Asp). The tyrosine residue is highly conserved and there is a large physicochemical difference between tyrosine and aspartic acid. This variant is not present in population databases (ExAC no frequency).

NM_005592.4(MUSK):c.2440T>G (p.Tyr814Asp)

Gene: MUSK (muscle associated receptor tyrosine kinase; plus strand). Cytogenetic location: 9q31.3.
Variant type: single nucleotide variant.
Coding change: c.2440T>G on transcript NM_005592.4 (MANE Select); coding-DNA position 2440, T replaced by G.
Protein change: p.Tyr814Asp; replaces tyrosine 814 with aspartic acid.
Molecular consequence: missense variant.
Genome position (GRCh38, 1-based): chr9:110,800,818, T>G. VCF-style: chr9-110800818-T-G. GRCh37 (hg19) VCF-style: chr9-113563098-T-G.
Other names: c.2182T>G, p.Tyr728Asp (NM_001166280.2); c.2152T>G, p.Tyr718Asp (NM_001166281.2); c.1180T>G, p.Tyr394Asp (NM_001369398.1); short protein forms Y814D, Y728D, Y394D, Y718D.
Identifiers: ClinVar variation 855558 (VCV000855558.10), dbSNP rs2078084758, ClinGen allele CA374479765.